The following is an entry in ClinVar:

NM_000327.4(ROM1):c.338G>T (p.Gly113Val)

Gene: ROM1 (retinal outer segment membrane protein 1; plus strand). Cytogenetic location: 11q12.3.
Variant type: single nucleotide variant.
Coding change: c.338G>T on transcript NM_000327.4 (MANE Select); coding-DNA position 338, G replaced by T.
Protein change: p.Gly113Val; replaces glycine 113 with valine.
Molecular consequence: missense variant.
Genome position (GRCh38, 1-based): chr11:62,613,619, G>T. VCF-style: chr11-62613619-G-T. GRCh37 (hg19) VCF-style: chr11-62381091-G-T.
Other names: c.338G>T (NM_000327.3); short protein forms G113V.
Identifiers: ClinVar variation 1914635 (VCV001914635.6), dbSNP rs145383959, ClinGen allele CA6049714.

ClinVar aggregate classification (germline): Uncertain significance. Review status: criteria provided, multiple submitters, no conflicts (2 of 4 stars). 2 submissions from 2 submitters: Uncertain significance (2). Last evaluated 2024-02-16.

Submissions (2):

Labcorp Genetics (formerly Invitae), Labcorp
Classification: Uncertain significance. Last evaluated: 2024-02-16. Review status: criteria provided, single submitter. Criteria: Invitae Variant Classification Sherloc (09022015). Collection method: clinical testing. Allele origin: germline.
Comment: This sequence change replaces glycine, which is neutral and non-polar, with valine, which is neutral and non-polar, at codon 113 of the ROM1 protein (p.Gly113Val). This variant is present in population databases (rs145383959, gnomAD 0.01%). This variant has not been reported in the literature in individuals affected with ROM1-related conditions. ClinVar contains an entry for this variant (Variation ID: 1914635). Advanced modeling of protein sequence and biophysical properties (such as structural, functional, and spatial information, amino acid conservation, physicochemical variation, residue mobility, and thermodynamic stability) performed at Invitae indicates that this missense variant is not expected to disrupt ROM1 protein function with a negative predictive value of 80%. In summary, the available evidence is currently insufficient to determine the role of this variant in disease. Therefore, it has been classified as a Variant of Uncertain Significance.

Ambry Genetics
Classification: Uncertain significance. Last evaluated: 2023-12-20. Review status: criteria provided, single submitter. Criteria: Ambry Variant Classification Scheme 2023. Collection method: clinical testing. Allele origin: germline.